The following is an entry in ClinVar:

NM_017999.5(RNF31):c.565C>T (p.Leu189Phe)

Gene: RNF31 (ring finger protein 31; plus strand). Cytogenetic location: 14q12.
Variant type: single nucleotide variant.
Coding change: c.565C>T on transcript NM_017999.5 (MANE Select); coding-DNA position 565, C replaced by T.
Protein change: p.Leu189Phe; replaces leucine 189 with phenylalanine.
Molecular consequence: missense variant.
Genome position (GRCh38, 1-based): chr14:24,148,810, C>T. VCF-style: chr14-24148810-C-T. GRCh37 (hg19) VCF-style: chr14-24618019-C-T.
Other names: c.112C>T, p.Leu38Phe (NM_001310332.2); short protein forms L189F, L38F.
Identifiers: ClinVar variation 4702690 (VCV004702690.1).

ClinVar aggregate classification (germline): Uncertain significance (1 of 4 stars; one submission).

gnomAD v4.1: 6 of 1,614,060 alleles (0.00037%); highest among the groups gnomAD compares: African/African-American, 0.0027%; no homozygotes.

Submission:

Labcorp Genetics (formerly Invitae), Labcorp
Classification: Uncertain significance. Last evaluated: 2025-09-09. Review status: criteria provided, single submitter. Criteria: Invitae Variant Classification Sherloc (09022015). Collection method: clinical testing. Allele origin: germline.
Comment: This sequence change replaces leucine, which is neutral and non-polar, with phenylalanine, which is neutral and non-polar, at codon 189 of the RNF31 protein (p.Leu189Phe). This variant is present in population databases (rs779378327, gnomAD 0.0009%). This variant has not been reported in the literature in individuals affected with RNF31-related conditions. An algorithm developed to predict the effect of missense changes on protein structure and function outputs the following: PolyPhen-2: "Benign". The phenylalanine amino acid residue is found in multiple mammalian species, which suggests that this missense change does not adversely affect protein function. In summary, the available evidence is currently insufficient to determine the role of this variant in disease. Therefore, it has been classified as a Variant of Uncertain Significance.